The following is an entry in ClinVar:

ClinVar aggregate classification (germline): Uncertain significance (1 of 4 stars; one submission).

Allele frequency attached by ClinVar (database versions not stated): gnomAD exomes below 0.00001.
gnomAD v4.1: 1 of 1,614,114 alleles (0.000062%); highest among the groups gnomAD compares: Non-Finnish European, 0.000085%; no homozygotes.

Submission:

Labcorp Genetics (formerly Invitae), Labcorp
Classification: Uncertain significance. Last evaluated: 2022-05-12. Review status: criteria provided, single submitter. Criteria: Invitae Variant Classification Sherloc (09022015). Collection method: clinical testing. Allele origin: germline.
Comment: In summary, the available evidence is currently insufficient to determine the role of this variant in disease. Therefore, it has been classified as a Variant of Uncertain Significance. Algorithms developed to predict the effect of missense changes on protein structure and function are either unavailable or do not agree on the potential impact of this missense change (SIFT: "Deleterious"; PolyPhen-2: "Probably Damaging"; Align-GVGD: "Class C0"). This variant has not been reported in the literature in individuals affected with HMCN1-related conditions. This variant is not present in population databases (gnomAD no frequency). This sequence change replaces cysteine, which is neutral and slightly polar, with arginine, which is basic and polar, at codon 4712 of the HMCN1 protein (p.Cys4712Arg).

NM_031935.3(HMCN1):c.14134T>C (p.Cys4712Arg)

Gene: HMCN1 (hemicentin 1; plus strand). Cytogenetic location: 1q31.1.
Variant type: single nucleotide variant.
Coding change: c.14134T>C on transcript NM_031935.3 (MANE Select); coding-DNA position 14134, T replaced by C.
Protein change: p.Cys4712Arg; replaces cysteine 4712 with arginine.
Molecular consequence: missense variant.
Genome position (GRCh38, 1-based): chr1:186,144,571, T>C. VCF-style: chr1-186144571-T-C. GRCh37 (hg19) VCF-style: chr1-186113703-T-C.
Other names: short protein forms C4712R.
Identifiers: ClinVar variation 1930159 (VCV001930159.5), dbSNP rs2528123064, ClinGen allele CA343915138.